The following is an entry in ClinVar:

NM_005732.4(RAD50):c.2729A>G (p.Glu910Gly)

Gene: RAD50 (RAD50 double strand break repair protein; plus strand). Cytogenetic location: 5q31.1.
Variant type: single nucleotide variant.
Coding change: c.2729A>G on transcript NM_005732.4 (MANE Select); coding-DNA position 2729, A replaced by G.
Protein change: p.Glu910Gly; replaces glutamic acid 910 with glycine.
Molecular consequence: missense variant.
Genome position (GRCh38, 1-based): chr5:132,608,625, A>G. VCF-style: chr5-132608625-A-G. GRCh37 (hg19) VCF-style: chr5-131944317-A-G.
Other names: short protein forms E910G.
Identifiers: ClinVar variation 2123077 (VCV002123077.4), dbSNP rs1751026902, ClinGen allele CA360958518.

ClinVar aggregate classification (germline): Uncertain significance (1 of 4 stars; one submission).

Conditions:
Hereditary cancer-predisposing syndrome. Also called: Hereditary Cancer Syndrome; Tumor predisposition; Neoplastic Syndromes, Hereditary; Hereditary neoplastic syndrome. Identifiers: Orphanet 140162, MedGen C0027672, MeSH D009386, MONDO:0015356.

Allele frequency attached by ClinVar (database versions not stated): gnomAD exomes below 0.00001; gnomAD 0.00001.
gnomAD v4.1: 4 of 1,586,916 alleles (0.00025%); highest among the groups gnomAD compares: South Asian, 0.0035%; no homozygotes.

Submission:

Labcorp Genetics (formerly Invitae), Labcorp
Classification: Uncertain significance for Hereditary cancer-predisposing syndrome. Last evaluated: 2022-08-23. Review status: criteria provided, single submitter. Criteria: Invitae Variant Classification Sherloc (09022015). Collection method: clinical testing. Allele origin: germline.
Comment: In summary, the available evidence is currently insufficient to determine the role of this variant in disease. Therefore, it has been classified as a Variant of Uncertain Significance. Algorithms developed to predict the effect of missense changes on protein structure and function (SIFT, PolyPhen-2, Align-GVGD) all suggest that this variant is likely to be tolerated. This variant has not been reported in the literature in individuals affected with RAD50-related conditions. This variant is not present in population databases (gnomAD no frequency). This sequence change replaces glutamic acid, which is acidic and polar, with glycine, which is neutral and non-polar, at codon 910 of the RAD50 protein (p.Glu910Gly).